The following is an entry in ClinVar:

NM_000540.3(RYR1):c.7639GCGCTG[3] (p.Leu2550_Asn2551insAlaLeu)

Gene: RYR1 (ryanodine receptor 1; plus strand). Cytogenetic location: 19q13.2.
Variant type: Microsatellite.
Coding change: c.7639GCGCTG[3] on transcript NM_000540.3 (MANE Select); three copies in a row of the 6-base unit GCGCTG starting at c.7639; the reference has two copies in a row; one copy, 6 bases duplicated; also written c.7645_7650dup.
Protein change: p.Leu2550_Asn2551insAlaLeu.
Molecular consequence: inframe insertion.
Genome position (GRCh38, 1-based): chr19:38,502,537-38,502,542, GCGCTG duplicated; duplicating any 6 consecutive bases within chr19:38,502,529-38,502,542 gives the same sequence; the position shown is the placement nearest the transcript's 3' end. VCF-style (leftmost placement, unchanged base first): chr19-38502528-A-ATGGCGC. GRCh37 (hg19) VCF-style: chr19-38993168-A-ATGGCGC.
Other names: c.7639GCGCTG[3], p.Leu2550_Asn2551insAlaLeu (NM_001042723.2); c.7645_7650dup (NM_000540.3).
Identifiers: ClinVar variation 3233235 (VCV003233235.2), dbSNP rs764204531.

ClinVar aggregate classification (germline): Uncertain significance (1 of 4 stars; one submission).

Conditions:
Centronuclear myopathy (CNM). Also called: Centronuclear myopathy, congenital; Myotubular myopathy. Identifiers: Orphanet 595, MedGen C0175709, MONDO:0018947. Inheritance: All.

Submission:

Muscle and Diseases Team, Institut de Génétique et Biologie Moléculaire et Cellulaire
Classification: Uncertain significance for Centronuclear myopathy. Last evaluated: 2024-03-01. Review status: criteria provided, single submitter. Criteria: ACMG Guidelines, 2015. Collection method: research. Allele origin: unknown. Affected: yes. Observed: 1 variant allele.
Comment: PP1+PM2+PM4

Literature cited by the submitters: DOI 10.1186/s13073-024-01353-0; PubMed 23826317.